The following is an entry in ClinVar:

NM_007254.4(PNKP):c.41G>C (p.Ser14Thr)

Gene: PNKP (polynucleotide kinase 3'-phosphatase; minus strand). Cytogenetic location: 19q13.33.
Variant type: single nucleotide variant.
Coding change: c.41G>C on transcript NM_007254.4 (MANE Select); coding-DNA position 41, G replaced by C.
Protein change: p.Ser14Thr; replaces serine 14 with threonine.
Molecular consequence: missense variant.
Genome position (GRCh38, 1-based): chr19:49,867,164, C>G on the plus strand (G>C on the coding strand, the complement: PNKP is on the minus strand). VCF-style: chr19-49867164-C-G. GRCh37 (hg19) VCF-style: chr19-50370421-C-G.
Other names: short protein forms S14T.
Identifiers: ClinVar variation 1195299 (VCV001195299.2), dbSNP rs749769775, ClinGen allele CA9587100.

ClinVar aggregate classification (germline): Uncertain significance (1 of 4 stars; one submission).

Allele frequency attached by ClinVar (database versions not stated): TOPMed below 0.00001.

Submission:

GeneDx
Classification: Uncertain significance. Last evaluated: 2019-09-18. Review status: criteria provided, single submitter. Criteria: GeneDx Variant Classification Process June 2021. Collection method: clinical testing. Allele origin: germline. Affected: yes.
Comment: Not observed at a significant frequency in large population cohorts (Lek et al., 2016); In silico analysis, which includes protein predictors and evolutionary conservation, supports that this variant does not alter protein structure/function; Has not been previously published as pathogenic or benign to our knowledge